The following is an entry in ClinVar:

ClinVar aggregate classification (germline): Uncertain significance (1 of 4 stars; one submission).

Submission:

Labcorp Genetics (formerly Invitae), Labcorp
Classification: Uncertain significance. Last evaluated: 2025-09-13. Review status: criteria provided, single submitter. Criteria: Invitae Variant Classification Sherloc (09022015). Collection method: clinical testing. Allele origin: germline.
Comment: This sequence change falls in intron 3 of the MYH7B gene. It does not directly change the encoded amino acid sequence of the MYH7B protein. It affects a nucleotide within the consensus splice site. This variant is not present in population databases (gnomAD no frequency). This variant has not been reported in the literature in individuals affected with MYH7B-related conditions. Variants that disrupt the consensus splice site are a relatively common cause of aberrant splicing (PMID: 17576681, 9536098). Algorithms developed to predict the effect of sequence changes on RNA splicing suggest that this variant is not likely to affect RNA splicing. In summary, the available evidence is currently insufficient to determine the role of this variant in disease. Therefore, it has been classified as a Variant of Uncertain Significance.

Literature cited by the submitters: PubMed 17576681; PubMed 9536098.

NM_020884.7(MYH7B):c.-122+5T>A

Gene: MYH7B (myosin heavy chain 7B; plus strand). Cytogenetic location: 20q11.22.
Variant type: single nucleotide variant.
Coding change: c.-122+5T>A on transcript NM_020884.7 (MANE Select); 5 bases into the intron after 122 bases upstream of the start codon, T replaced by A.
Molecular consequence: intron variant.
Genome position (GRCh38, 1-based): chr20:34,975,504, T>A. VCF-style: chr20-34975504-T-A. GRCh37 (hg19) VCF-style: chr20-33563307-T-A.
Identifiers: ClinVar variation 4714981 (VCV004714981.1).